The following is an entry in ClinVar:

NM_000397.4(CYBB):c.1520A>T (p.Gln507Leu)

Gene: CYBB (cytochrome b-245 beta chain; plus strand). Cytogenetic location: Xp11.4.
Variant type: single nucleotide variant.
Coding change: c.1520A>T on transcript NM_000397.4 (MANE Select); coding-DNA position 1520, A replaced by T.
Protein change: p.Gln507Leu; replaces glutamine 507 with leucine.
Molecular consequence: missense variant.
Genome position (GRCh38, 1-based): chrX:37,809,625, A>T. VCF-style: chrX-37809625-A-T. GRCh37 (hg19) VCF-style: chrX-37668878-A-T.
Other names: short protein forms Q507L.
Identifiers: ClinVar variation 4854038 (VCV004854038.1).

ClinVar aggregate classification (germline): Uncertain significance (1 of 4 stars; one submission).

Conditions:
Granulomatous disease, chronic, X-linked. Also called: GRANULOMATOUS DISEASE, CHRONIC, X-LINKED, SOMATIC MOSAIC; CYTOCHROME b-NEGATIVE GRANULOMATOUS DISEASE, CHRONIC, X-LINKED. Identifiers: Orphanet 379, MedGen C1844376, MONDO:0010600, OMIM 306400.

Submission:

3billion
Classification: Uncertain significance for Granulomatous disease, chronic, X-linked. Last evaluated: 2025-07-21. Review status: criteria provided, single submitter. Criteria: ACMG Guidelines, 2015. Collection method: clinical testing. Allele origin: germline. Affected: yes.
Comment: The variant is not observed in the gnomAD v4.1.0 dataset. Predicted Consequence/Location: Missense variant In silico tool predictions suggest damaging effect of the variant on gene or gene product [REVEL: 0.88 (>=0.6, sensitivity 0.68 and specificity 0.92)]. Therefore, this variant is classified as VUS according to the recommendation of ACMG/AMP guideline.